The following is an entry in ClinVar:

ClinVar aggregate classification (germline): Pathogenic (1 of 4 stars; one submission).

Conditions:
NEURODEVELOPMENTAL DISORDER, X-LINKED, WITH POOR OR ABSENT SPEECH AND BEHAVIORAL ABNORMALITIES (NEDXSB). Identifiers: MedGen CN381607, OMIM 301164.
Intellectual developmental disorder, X-linked 1. Also called: Atkin Flaitz Patil Smith syndrome; MENTAL RETARDATION, X-LINKED 18; MENTAL RETARDATION, X-LINKED 78; Intellectual disability, X-linked 1. Identifiers: Orphanet 777, MedGen C2931498, MONDO:0010656, OMIM 309530.

Submission:

Juno Genomics, Hangzhou Juno Genomics, Inc
Classification: Pathogenic for Intellectual developmental disorder, X-linked 1; NEURODEVELOPMENTAL DISORDER, X-LINKED, WITH POOR OR ABSENT SPEECH AND BEHAVIORAL ABNORMALITIES. Review status: criteria provided, single submitter. Criteria: ACMG Guidelines, 2015. Collection method: clinical testing. Allele origin: germline. Affected: yes.
Comment: Absent from controls (or at extremely low frequency if recessive) in Genome Aggregation Database.;Null variant in a gene where loss of function (LOF) is a known mechanism of disease.;Patient's phenotype or family history is highly specific for a disease with a single genetic etiology.

NM_001111125.3(IQSEC2):c.1684dup (p.Thr562fs)

Gene: IQSEC2 (IQ motif and Sec7 domain ArfGEF 2; minus strand). Cytogenetic location: Xp11.22.
Variant type: Duplication.
Coding change: c.1684dup on transcript NM_001111125.3 (MANE Select); coding-DNA position 1684, one base duplicated (A; older notation c.1684dupA).
Protein change: p.Thr562fs; shifts the reading frame from threonine 562.
Molecular consequence: frameshift variant.
Genome position (GRCh38, 1-based): chrX:53,250,892, T duplicated on the plus strand (A on the coding strand, the reverse complement: IQSEC2 is on the minus strand); the first of 2 consecutive T bases (chrX:53,250,892-53,250,893); duplicating either gives the same sequence. VCF-style (leftmost placement, unchanged base first): chrX-53250891-G-GT. GRCh37 (hg19) VCF-style: chrX-53280073-G-GT.
Other names: c.1684dup, p.Thr562fs (NM_001410736.1, NM_001441092.1); c.1186dup, p.Thr396fs (NM_001441093.1); c.973dup, p.Thr325fs (NM_001441094.1, NM_001441095.1); c.1069dup, p.Thr357fs (NM_015075.2); short protein forms T325fs, T357fs, T396fs, T562fs.
Identifiers: ClinVar variation 5037976 (VCV005037976.1).
Genomic context (GRCh38, chrX:53,250,891, plus strand): 5'-CGGCACTCCAAGCACCCGGGACCCCTGCGAGTGCCTTCCTCACGGCTACCGTCTTCCCGG[G>GT]TTCCTGATGGCACTGGTGGAGGAACTGGCGGGAGAGGGGCTGGCGCCCAGAACTCGGGCC-3'